The following is an entry in ClinVar:

ClinVar aggregate classification (germline): Uncertain significance (1 of 4 stars; one submission).

gnomAD v4.1: 1 of 1,614,054 alleles (0.000062%); highest among the groups gnomAD compares: Non-Finnish European, 0.000085%; no homozygotes.

Submission:

Ambry Genetics
Classification: Uncertain significance. Last evaluated: 2022-09-26. Review status: criteria provided, single submitter. Criteria: Ambry Variant Classification Scheme 2023. Collection method: clinical testing. Allele origin: germline.
Comment: The p.M708R variant (also known as c.2123T>G), located in coding exon 14 of the RINT1 gene, results from a T to G substitution at nucleotide position 2123. The methionine at codon 708 is replaced by arginine, an amino acid with similar properties. This amino acid position is conserved. In addition, this alteration is predicted to be deleterious by in silico analysis. Since supporting evidence is limited at this time, the clinical significance of this alteration remains unclear.

NM_021930.6(RINT1):c.2123T>G (p.Met708Arg)

Genes: EFCAB10 (EF-hand calcium binding domain 10; minus strand), RINT1 (RAD50 interactor 1; plus strand). Cytogenetic location: 7q22.3.
Variant type: single nucleotide variant.
Coding change: c.2123T>G on transcript NM_021930.6 (MANE Select); coding-DNA position 2123, T replaced by G.
Protein change: p.Met708Arg; replaces methionine 708 with arginine.
Molecular consequence: missense variant. On other transcripts: synonymous variant (1), non-coding transcript variant (1), intron variant (2).
Genome position (GRCh38, 1-based): chr7:105,565,585, T>G. VCF-style: chr7-105565585-T-G. GRCh37 (hg19) VCF-style: chr7-105206032-T-G.
Other names: c.414A>C, p.Ser138= (NM_001355530.2); c.1889T>G, p.Met630Arg (NM_001346599.2); c.1100T>G, p.Met367Arg (NM_001346600.2, NM_001346603.2); c.1199T>G, p.Met400Arg (NM_001346601.2); c.360-138A>C (NM_001355531.2); c.384-138A>C (NM_001355526.2); short protein forms M400R, M630R, M367R, M708R.
Identifiers: ClinVar variation 1786278 (VCV001786278.2), dbSNP rs771659321, ClinGen allele CA368815178.
Genomic context (GRCh38, chr7:105,565,585, plus strand): 5'-TTCAGATAATTCTTGCTAATCACTTCAATGAAGGAGGAGCAGCCCAGCTGCAGTTTGATA[T>G]GACTCGGAATCTTTTCCCTTTGTTTTCTCACTATTGCAAGAGACCAGAAAATTATTTTAA-3'
Protein context (NP_068749.3, residues 698-718): EGGAAQLQFD[Met708Arg]TRNLFPLFSH